The following is an entry in ClinVar:

NM_032861.4(SERAC1):c.932G>T (p.Cys311Phe)

Gene: SERAC1 (serine active site containing 1; minus strand). Cytogenetic location: 6q25.3.
Variant type: single nucleotide variant.
Coding change: c.932G>T on transcript NM_032861.4 (MANE Select); coding-DNA position 932, G replaced by T.
Protein change: p.Cys311Phe; replaces cysteine 311 with phenylalanine.
Molecular consequence: missense variant. On other transcripts: non-coding transcript variant (1).
Genome position (GRCh38, 1-based): chr6:158,128,191, C>A on the plus strand (G>T on the coding strand, the complement: SERAC1 is on the minus strand). VCF-style: chr6-158128191-C-A. GRCh37 (hg19) VCF-style: chr6-158549223-C-A.
Other names: short protein forms C311F.
Identifiers: ClinVar variation 841105 (VCV000841105.7), dbSNP rs1449129513, ClinGen allele CA366259970.
Genomic context (GRCh38, chr6:158,128,191, plus strand): 5'-AGATGTTCATTCAAAGCCATATTTCCAATGACACGCATTATATTTCTCTGTACTTTAGGG[C>A]AGTCCTTGTGAAGTCGGTACAGCCTCTGAAGTAGCTGCAGGCCTCCATTTGCTTCGATTT-3'
Protein context (NP_116250.3, residues 301-321): LQRLYRLHKD[Cys311Phe]PKVQRNIMRV

ClinVar aggregate classification (germline): Uncertain significance (1 of 4 stars; one submission).

Conditions:
3-methylglutaconic aciduria with deafness, encephalopathy, and Leigh-like syndrome (MEGDEL). Also called: SERAC1 Deficiency; 3-METHYLGLUTACONIC ACIDURIA, TYPE VI; MEGDEL syndrome. Identifiers: Orphanet 352328, MedGen C4040739, MONDO:0013875, OMIM 614739.

Allele frequency attached by ClinVar (database versions not stated): gnomAD exomes 0.00001 and 0.00002.
gnomAD v4.1: 10 of 1,614,112 alleles (0.00062%); highest among the groups gnomAD compares: Admixed American, 0.0067%; no homozygotes.

Submission:

Labcorp Genetics (formerly Invitae), Labcorp
Classification: Uncertain significance for 3-methylglutaconic aciduria with deafness, encephalopathy, and Leigh-like syndrome. Last evaluated: 2022-07-21. Review status: criteria provided, single submitter. Criteria: Invitae Variant Classification Sherloc (09022015). Collection method: clinical testing. Allele origin: germline.
Comment: This sequence change replaces cysteine, which is neutral and slightly polar, with phenylalanine, which is neutral and non-polar, at codon 311 of the SERAC1 protein (p.Cys311Phe). This variant is present in population databases (no rsID available, gnomAD 0.01%). This variant has not been reported in the literature in individuals affected with SERAC1-related conditions. ClinVar contains an entry for this variant (Variation ID: 841105). Algorithms developed to predict the effect of missense changes on protein structure and function (SIFT, PolyPhen-2, Align-GVGD) all suggest that this variant is likely to be tolerated. In summary, the available evidence is currently insufficient to determine the role of this variant in disease. Therefore, it has been classified as a Variant of Uncertain Significance.